The following is an entry in ClinVar:

ClinVar aggregate classification (germline): Likely benign (1 of 4 stars; one submission).

gnomAD v4.1: 229 of 1,610,870 alleles (0.014%); highest among the groups gnomAD compares: African/African-American, 0.15%; no homozygotes.

Submission:

Dasa
Classification: Likely benign. Last evaluated: 2025-10-27. Review status: criteria provided, single submitter. Criteria: DASA Assertion Criteria. Collection method: clinical testing. Allele origin: germline.
Comment: NM_130797.4(DPP6):c.1261-7A>G is a splice-region variant predicted to affect normal RNA splicing. Multiple computational predictions suggest no deleterious effect on the gene or gene product. The variant is present at low frequency in population datasets. Based on the available data, this variant is classified as likely benign.

NM_130797.4(DPP6):c.1261-7A>G

Gene: DPP6 (dipeptidyl peptidase like 6; plus strand). Cytogenetic location: 7q36.2.
Variant type: single nucleotide variant.
Coding change: c.1261-7A>G on transcript NM_130797.4 (MANE Select); 7 bases into the intron before coding-DNA position 1261, A replaced by G.
Molecular consequence: intron variant.
Genome position (GRCh38, 1-based): chr7:154,795,838, A>G. VCF-style: chr7-154795838-A-G. GRCh37 (hg19) VCF-style: chr7-154587548-A-G.
Other names: c.1078-7A>G (NM_001364500.2, NM_001364499.2, NM_001364497.2 and 1 more transcripts); c.1069-7A>G (NM_001364501.2, NM_001039350.3); c.1075-7A>G (NM_001936.5); c.940-7A>G (NM_001290252.2).
Identifiers: ClinVar variation 4851849 (VCV004851849.1).
Genomic context (GRCh38, chr7:154,795,838, plus strand): 5'-TACATGCAAAAAAAAAAAAGAAAAGAAAAGAAAAACCCTCTTGTCTAATGCTCTCATTTC[A>G]TTTCAGAAACACGAGGATGAAAGTGAGGCCTGGCTCCACAGACAGGTAACTACTGCATGT-3'